The following is an entry in ClinVar:

ClinVar aggregate classification (germline): Pathogenic. Review status: criteria provided, multiple submitters, no conflicts (2 of 4 stars). 2 submissions from 2 submitters: Pathogenic (2). Last evaluated 2025-04-14.

Conditions:
Hereditary cancer-predisposing syndrome. Also called: Tumor predisposition; Hereditary Cancer Syndrome; Neoplastic Syndromes, Hereditary; Hereditary neoplastic syndrome. Identifiers: Orphanet 140162, MedGen C0027672, MeSH D009386, MONDO:0015356.
Lynch syndrome 5 (LYNCH5). Also called: Colorectal cancer, hereditary nonpolyposis, type 5; Hereditary non-polyposis colorectal cancer, type 5. Identifiers: Orphanet 144, MedGen C1833477, MONDO:0013710, OMIM 614350. Disease mechanism: loss of function.

Submissions (2):

Ambry Genetics
Classification: Pathogenic for Hereditary cancer-predisposing syndrome. Last evaluated: 2025-04-14. Review status: criteria provided, single submitter. Criteria: Ambry Variant Classification Scheme 2023. Collection method: clinical testing. Allele origin: germline.
Comment: The c.2675_2678delCTCT pathogenic mutation, located in coding exon 4 of the MSH6 gene, results from a deletion of 4 nucleotides at nucleotide positions 2675 to 2678, causing a translational frameshift with a predicted alternate stop codon (p.S892Cfs*13). This variant is considered to be rare based on population cohorts in the Genome Aggregation Database (gnomAD). This alteration is expected to result in loss of function by premature protein truncation or nonsense-mediated mRNA decay. As such, this alteration is interpreted as a disease-causing mutation.

Myriad Genetics, Inc.
Classification: Pathogenic for Lynch syndrome 5. Last evaluated: 2023-08-17. Review status: criteria provided, single submitter. Criteria: Myriad Autosomal Dominant, Autosomal Recessive and X-Linked Classification Criteria (2023). Collection method: clinical testing. Allele origin: unknown.
Comment: This variant is considered pathogenic. This variant creates a frameshift predicted to result in premature protein truncation.

NM_000179.3(MSH6):c.2675_2678del (p.Ser892fs)

Gene: MSH6 (mutS homolog 6; plus strand). Cytogenetic location: 2p16.3.
Variant type: Microsatellite.
Coding change: c.2675_2678del on transcript NM_000179.3 (MANE Select); coding-DNA positions 2675 to 2678, 4 bases deleted (CTCT; older notation c.2675_2678delCTCT).
Protein change: p.Ser892fs; shifts the reading frame from serine 892.
Molecular consequence: frameshift variant.
Genome position (GRCh38, 1-based): chr2:47,800,658-47,800,661, CTCT deleted; deleting any 4 consecutive bases within chr2:47,800,655-47,800,661 gives the same sequence; the c. name uses the placement nearest the transcript's 3' end. VCF-style (leftmost placement, unchanged base first): chr2-47800654-ATCTC-A. GRCh37 (hg19) VCF-style: chr2-48027793-ATCTC-A.
Other names: c.2673_2674CT[1], p.Ser892Cysfs (NM_000179.2, NM_001406796.1, NM_001406798.1 and 3 more transcripts); c.2285_2288del, p.Ser762fs (NM_001281492.2); c.1769_1772del, p.Ser590fs (NM_001281493.2, NM_001281494.2); c.2769_2770CT[1], p.Ser924Cysfs (NM_001406795.1, NM_001406802.1); c.2376_2377CT[1], p.Ser793Cysfs (NM_001406797.1, NM_001406801.1, NM_001406805.1 and 10 more transcripts); c.2148_2149CT[1], p.Ser717Cysfs (NM_001406799.1, NM_001406806.1, NM_001406807.1); c.2595_2596CT[1], p.Ser866Cysfs (NM_001406804.1); c.1767_1768CT[1], p.Ser590Cysfs (NM_001406811.1, NM_001406812.1, NM_001406814.1 and 4 more transcripts); and 3 more; short protein forms S892fs, S590fs, S762fs.
Identifiers: ClinVar variation 1794597 (VCV001794597.4), dbSNP rs1572728112, ClinGen allele CA2580611378.